The following is an entry in ClinVar:

ClinVar aggregate classification (germline): Uncertain significance. Review status: criteria provided, multiple submitters, no conflicts (2 of 4 stars). 2 submissions from 2 submitters: Uncertain significance (2). Last evaluated 2026-06-10.

Allele frequency attached by ClinVar (database versions not stated): ExAC 0.00001; gnomAD 0.00001; TOPMed 0.00001; gnomAD exomes 0.00002.
gnomAD v4.1: 7 of 1,614,090 alleles (0.00043%); highest among the groups gnomAD compares: Admixed American, 0.0067%; no homozygotes.

Submissions (2):

Women's Health and Genetics/Laboratory Corporation of America, LabCorp
Classification: Uncertain significance. Last evaluated: 2026-06-10. Review status: criteria provided, single submitter. Criteria: LabCorp Variant Classification Summary - May 2015. Collection method: clinical testing. Allele origin: germline.
Comment: Variant summary: MCM3AP c.696G>C (p.Glu232Asp) results in a conservative amino acid change in the encoded protein sequence. Algorithms developed to predict the effect of missense changes on protein structure and function all suggest that this variant is likely to be tolerated. The variant allele was found at a frequency of 1.6e-05 in 251350 control chromosomes. The available data on variant occurrences in the general population are insufficient to allow any conclusion about variant significance. To our knowledge, no occurrence of c.696G>C in individuals affected with MCM3AP-related conditions and no experimental evidence demonstrating its impact on protein function have been reported. ClinVar contains an entry for this variant (Variation ID: 1366811). Based on the evidence outlined above, the variant was classified as uncertain significance.

Labcorp Genetics (formerly Invitae), Labcorp
Classification: Uncertain significance. Last evaluated: 2024-10-03. Review status: criteria provided, single submitter. Criteria: Invitae Variant Classification Sherloc (09022015). Collection method: clinical testing. Allele origin: germline.
Comment: This sequence change replaces glutamic acid, which is acidic and polar, with aspartic acid, which is acidic and polar, at codon 232 of the MCM3AP protein (p.Glu232Asp). This variant is present in population databases (rs759363014, gnomAD 0.009%). This variant has not been reported in the literature in individuals affected with MCM3AP-related conditions. ClinVar contains an entry for this variant (Variation ID: 1366811). An algorithm developed to predict the effect of missense changes on protein structure and function (PolyPhen-2) suggests that this variant is likely to be disruptive. In summary, the available evidence is currently insufficient to determine the role of this variant in disease. Therefore, it has been classified as a Variant of Uncertain Significance.

NM_003906.5(MCM3AP):c.696G>C (p.Glu232Asp)

Gene: MCM3AP (minichromosome maintenance complex component 3 associated protein; minus strand). Cytogenetic location: 21q22.3.
Variant type: single nucleotide variant.
Coding change: c.696G>C on transcript NM_003906.5 (MANE Select); coding-DNA position 696, G replaced by C.
Protein change: p.Glu232Asp; replaces glutamic acid 232 with aspartic acid.
Molecular consequence: missense variant.
Genome position (GRCh38, 1-based): chr21:46,284,591, C>G on the plus strand (G>C on the coding strand, the complement: MCM3AP is on the minus strand). VCF-style: chr21-46284591-C-G. GRCh37 (hg19) VCF-style: chr21-47704505-C-G.
Other names: short protein forms E232D.
Identifiers: ClinVar variation 1366811 (VCV001366811.5), dbSNP rs759363014, ClinGen allele CA10077292.